The following is an entry in ClinVar:

NM_000127.3(EXT1):c.1430C>G (p.Pro477Arg)

Gene: EXT1 (exostosin glycosyltransferase 1; minus strand). Cytogenetic location: 8q24.11.
Variant type: single nucleotide variant.
Coding change: c.1430C>G on transcript NM_000127.3 (MANE Select); coding-DNA position 1430, C replaced by G.
Protein change: p.Pro477Arg; replaces proline 477 with arginine.
Molecular consequence: missense variant.
Genome position (GRCh38, 1-based): chr8:117,819,782, G>C on the plus strand (C>G on the coding strand, the complement: EXT1 is on the minus strand). VCF-style: chr8-117819782-G-C. GRCh37 (hg19) VCF-style: chr8-118832021-G-C.
Other names: c.1430C>G (NM_000127.2); short protein forms P477R.
Identifiers: ClinVar variation 134201 (VCV000134201.9), dbSNP rs145720047, ClinGen allele CA159101.
Genomic context (GRCh38, chr8:117,819,782, plus strand): 5'-ACTGGCTGGGACTGAGAGACCAGGGGGGTCACCGCATGGATGACTGCAGTGAATTTGGAG[G>C]GGGGCTTTAAACCTGAAATAAAAAGGAGAGTAGAGCCTAATGAAGCGCTGGAAAGCAAGA-3'
Protein context (NP_000118.2, residues 467-487): YYYANLGLKP[Pro477Arg]SKFTAVIHAV

ClinVar aggregate classification (germline): Conflicting classifications of pathogenicity. Review status: criteria provided, conflicting classifications (1 of 4 stars). 5 submissions from 5 submitters: Uncertain significance (2); Likely benign (1). 2 of the submissions do not count toward it. Last evaluated 2025-10-01.

Conditions:
Chondrosarcoma. Also called: Chondrosarcoma, somatic. Identifiers: Orphanet 55880, MedGen C0008479, MONDO:0008977, OMIM 215300, HP:0006765.
Exostoses, multiple, type 1 (EXT1). Also called: EXOSTOSES, MULTIPLE, TYPE I; Hereditary Multiple Osteochondromatosis, Type I. Identifiers: MedGen CN263289, MONDO:0007585, OMIM 133700.
EXT1-related disorder. Also called: EXT1-related condition.
Multiple congenital exostosis (EXT). Also called: Multiple exostoses; MULTIPLE CARTILAGINOUS EXOSTOSES; Hereditary multiple exostoses; Hereditary multiple exostosis; Multiple osteochondromas; Hereditary multiple osteochondromas. Identifiers: Orphanet 321, MedGen C0015306, MONDO:0005508, HP:0002762.

Allele frequency attached by ClinVar (database versions not stated): gnomAD exomes 0.00006 and 0.00007; ExAC 0.00007; ESP Exome Variant Server 0.00008; gnomAD 0.00009 and 0.00010; TOPMed 0.00009.
gnomAD v4.1: 95 of 1,613,260 alleles (0.0059%); highest among the groups gnomAD compares: Non-Finnish European, 0.0065%; no homozygotes.

Submissions (5):

Labcorp Genetics (formerly Invitae), Labcorp
Classification: Likely benign for Multiple congenital exostosis. Last evaluated: 2025-10-01. Review status: criteria provided, single submitter. Criteria: Invitae Variant Classification Sherloc (09022015). Collection method: clinical testing. Allele origin: germline.

St. Jude Molecular Pathology, St. Jude Children's Research Hospital
Classification: Uncertain significance for Exostoses, multiple, type 1. Last evaluated: 2024-08-20. Review status: criteria provided, single submitter. Criteria: St. Jude Assertion Criteria 2020. Collection method: clinical testing. Allele origin: germline.
Comment: The EXT1 c.1430C>G (p.Pro477Arg) missense change has a maximum founder subpopulation frequency of 0.04% and a maximum non-founder subpopulation frequency of 0.01% in gnomAD v2.1.1. The in silico tool REVEL is inconclusive about a pathogenic or benign effect of this variant on protein function, and to our knowledge functional studies have not been performed. To our knowledge, this variant has not been reported in individuals with hereditary multiple exostoses. In summary, the evidence currently available is insufficient to determine the clinical significance of this variant. It has therefore been classified as of uncertain significance.?

Fulgent Genetics
Classification: Uncertain significance for Exostoses, multiple, type 1; Chondrosarcoma. Last evaluated: 2024-02-20. Review status: criteria provided, single submitter. Criteria: ACMG Guidelines, 2015. Collection method: clinical testing. Allele origin: germline.

PreventionGenetics, part of Exact Sciences
Classification: Uncertain significance for EXT1-related condition. Last evaluated: 2023-10-27. Review status: no assertion criteria provided. Collection method: clinical testing. Allele origin: germline. Not counted in ClinVar's aggregate classification.
Comment: The EXT1 c.1430C>G variant is predicted to result in the amino acid substitution p.Pro477Arg. This variant has been reported in a patient with chordoma (Yepes et al. 2021. PubMed ID: 34070849); however, this variant was also found in an individual from a healthy, ancestrally diverse cohort (Table S1 in Bodian et al. 2014. PubMed ID: 24728327). This variant is reported in 0.039% of alleles in individuals of Ashkenazi Jewish descent in gnomAD and has been interpreted as likely benign in ClinVar (. Although we suspect that this variant may be benign, at this time, the clinical significance of this variant is uncertain due to the absence of conclusive functional and genetic evidence.

ITMI
No classification provided. Condition: AllHighlyPenetrant. Last evaluated: 2013-09-19. Review status: no classification provided. Collection method: reference population. Allele origin: germline. Not counted in ClinVar's aggregate classification.
Comment: Please see associated publication for description of ethnicities

Literature cited by the submitters: PubMed 24728327 (cited by ITMI).